The following is an entry in ClinVar:

NM_020708.5(SLC12A5):c.947G>A (p.Arg316Gln)

Gene: SLC12A5 (solute carrier family 12 member 5; plus strand). Cytogenetic location: 20q13.12.
Variant type: single nucleotide variant.
Coding change: c.947G>A on transcript NM_020708.5 (MANE Select); coding-DNA position 947, G replaced by A.
Protein change: p.Arg316Gln; replaces arginine 316 with glutamine.
Molecular consequence: missense variant.
Genome position (GRCh38, 1-based): chr20:46,041,421, G>A. VCF-style: chr20-46041421-G-A. GRCh37 (hg19) VCF-style: chr20-44670060-G-A.
Other names: c.1016G>A, p.Arg339Gln (NM_001134771.2); c.1016G>A (NM_001134771.1); short protein forms R339Q, R316Q.
Identifiers: ClinVar variation 577701 (VCV000577701.9), dbSNP rs144471748, ClinGen allele CA9887189.

ClinVar aggregate classification (germline): Uncertain significance. Review status: criteria provided, multiple submitters, no conflicts (2 of 4 stars). 2 submissions from 2 submitters: Uncertain significance (2). Last evaluated 2025-01-22.

Conditions:
Developmental and epileptic encephalopathy, 34 (DEE34). Also called: Early infantile epileptic encephalopathy 34; SLC12A5-Related Epilepsy of Infancy with Migrating Focal Seizures. Identifiers: Orphanet 293181, MedGen C4225257, MONDO:0014718, OMIM 616645.

Allele frequency attached by ClinVar (database versions not stated): gnomAD exomes 0.00003; ExAC 0.00004; TOPMed 0.00004; gnomAD 0.00006 and 0.00007; ESP Exome Variant Server 0.00015; 1000 Genomes Project 30x 0.00016; 1000 Genomes Project 0.00020.
gnomAD v4.1: 33 of 1,614,122 alleles (0.002%); highest among the groups gnomAD compares: African/African-American, 0.02%; no homozygotes.

Submissions (2):

Ambry Genetics
Classification: Uncertain significance. Last evaluated: 2025-01-22. Review status: criteria provided, single submitter. Criteria: Ambry Variant Classification Scheme 2023. Collection method: clinical testing. Allele origin: germline.

Labcorp Genetics (formerly Invitae), Labcorp
Classification: Uncertain significance for Developmental and epileptic encephalopathy, 34. Last evaluated: 2022-06-18. Review status: criteria provided, single submitter. Criteria: Invitae Variant Classification Sherloc (09022015). Collection method: clinical testing. Allele origin: germline.
Comment: This sequence change replaces arginine, which is basic and polar, with glutamine, which is neutral and polar, at codon 316 of the SLC12A5 protein (p.Arg316Gln). This variant is present in population databases (rs144471748, gnomAD 0.008%). This variant has not been reported in the literature in individuals affected with SLC12A5-related conditions. ClinVar contains an entry for this variant (Variation ID: 577701). Advanced modeling of protein sequence and biophysical properties (such as structural, functional, and spatial information, amino acid conservation, physicochemical variation, residue mobility, and thermodynamic stability) performed at Invitae indicates that this missense variant is not expected to disrupt SLC12A5 protein function. Algorithms developed to predict the effect of sequence changes on RNA splicing suggest that this variant may create or strengthen a splice site. In summary, the available evidence is currently insufficient to determine the role of this variant in disease. Therefore, it has been classified as a Variant of Uncertain Significance.